The following is an entry in ClinVar:

NM_005359.6(SMAD4):c.1592G>T (p.Arg531Leu)

Gene: SMAD4 (SMAD family member 4; plus strand). Cytogenetic location: 18q21.2.
Variant type: single nucleotide variant.
Coding change: c.1592G>T on transcript NM_005359.6 (MANE Select); coding-DNA position 1592, G replaced by T.
Protein change: p.Arg531Leu; replaces arginine 531 with leucine.
Molecular consequence: missense variant. On other transcripts: non-coding transcript variant (1).
Genome position (GRCh38, 1-based): chr18:51,078,400, G>T. VCF-style: chr18-51078400-G-T. GRCh37 (hg19) VCF-style: chr18-48604770-G-T.
Other names: c.1592G>T, p.Arg531Leu (NM_001407041.1, NM_001407042.1); short protein forms R531L.
Identifiers: ClinVar variation 3445879 (VCV003445879.1).
Genomic context (GRCh38, chr18:51,078,400, plus strand): 5'-CGGATTACCCAAGACAGAGCATCAAAGAAACACCTTGCTGGATTGAAATTCACTTACACC[G>T]GGCCCTCCAGCTCCTAGACGAAGTACTTCATACCATGCCGATTGCAGACCCACAACCTTT-3'
Protein context (NP_005350.1, residues 521-541): TPCWIEIHLH[Arg531Leu]ALQLLDEVLH

ClinVar aggregate classification (germline): Uncertain significance (1 of 4 stars; one submission).

Conditions:
Familial thoracic aortic aneurysm and aortic dissection (TAAD). Also called: Thoracic aortic aneurysms and dissections. Identifiers: Orphanet 91387, MedGen C4707243, MONDO:0019625.
Hereditary cancer-predisposing syndrome. Also called: Tumor predisposition; Neoplastic Syndromes, Hereditary; Hereditary neoplastic syndrome; Hereditary Cancer Syndrome. Identifiers: Orphanet 140162, MedGen C0027672, MeSH D009386, MONDO:0015356.

gnomAD v4.1: 1 of 1,614,038 alleles (0.000062%); highest among the groups gnomAD compares: African/African-American, 0.0013%; no homozygotes.

Submission:

Ambry Genetics
Classification: Uncertain significance for Hereditary cancer-predisposing syndrome; Familial thoracic aortic aneurysm and aortic dissection. Last evaluated: 2024-11-12. Review status: criteria provided, single submitter. Criteria: Ambry Variant Classification Scheme 2023. Collection method: clinical testing. Allele origin: germline.
Comment: The p.R531L variant (also known as c.1592G>T), located in coding exon 11 of the SMAD4 gene, results from a G to T substitution at nucleotide position 1592. The arginine at codon 531 is replaced by leucine, an amino acid with dissimilar properties. This amino acid position is conserved. In addition, this alteration is predicted to be deleterious by in silico analysis. Based on the available evidence, the clinical significance of this variant remains unclear.